The following is an entry in ClinVar:

NM_000535.7(PMS2):c.62A>G (p.Lys21Arg)

Gene: PMS2 (PMS1 homolog 2, mismatch repair system component; minus strand). Cytogenetic location: 7p22.1.
Variant type: single nucleotide variant.
Coding change: c.62A>G on transcript NM_000535.7 (MANE Select); coding-DNA position 62, A replaced by G.
Protein change: p.Lys21Arg; replaces lysine 21 with arginine.
Molecular consequence: missense variant. On other transcripts: 5 prime UTR variant (8), non-coding transcript variant (1), intron variant (3).
Genome position (GRCh38, 1-based): chr7:6,005,993, T>C on the plus strand (A>G on the coding strand, the complement: PMS2 is on the minus strand). VCF-style: chr7-6005993-T-C. GRCh37 (hg19) VCF-style: chr7-6045624-T-C.
Other names: c.-344A>G (NM_001322003.2, NM_001322005.2, NM_001322009.2 and 1 more transcripts); c.62A>G, p.Lys21Arg (NM_001322006.2, NM_001322014.2); c.-154A>G (NM_001322007.2); c.-823A>G (NM_001322011.2, NM_001322012.2); c.-423A>G (NM_001322015.2); c.-52-1935A>G (NM_001322008.2); c.-242-1935A>G (NM_001322010.2, NM_001322004.2); short protein forms K21R.
Identifiers: ClinVar variation 921652 (VCV000921652.4), dbSNP rs1458424619, ClinGen allele CA366745134.

ClinVar aggregate classification (germline): Uncertain significance (1 of 4 stars; one submission).

Conditions:
Hereditary cancer-predisposing syndrome. Also called: Neoplastic Syndromes, Hereditary; Tumor predisposition; Hereditary Cancer Syndrome; Hereditary neoplastic syndrome. Identifiers: Orphanet 140162, MedGen C0027672, MeSH D009386, MONDO:0015356.

Submission:

Color Diagnostics, LLC DBA Color Health
Classification: Uncertain significance for Hereditary cancer-predisposing syndrome. Last evaluated: 2023-12-05. Review status: criteria provided, single submitter. Criteria: ACMG Guidelines, 2015. Collection method: clinical testing. Allele origin: germline.
Comment: This missense variant replaces lysine with arginine at codon 21 of the PMS2 protein. Computational prediction suggests that this variant may not impact protein structure and function (internally defined REVEL score threshold <= 0.5, PMID: 27666373). To our knowledge, functional studies have not been reported for this variant. This variant has not been reported in individuals affected with PMS2-related disorders in the literature. This variant has not been identified in the general population by the Genome Aggregation Database (gnomAD). The available evidence is insufficient to determine the role of this variant in disease conclusively. Therefore, this variant is classified as a Variant of Uncertain Significance.